The following is an entry in ClinVar:

ClinVar aggregate classification (germline): Uncertain significance (1 of 4 stars; one submission).

Submission:

Greenwood Genetic Center Diagnostic Laboratories, Greenwood Genetic Center
Classification: Uncertain significance. Last evaluated: 2024-07-08. Review status: criteria provided, single submitter. Criteria: ACMG Guidelines, 2015. Collection method: clinical testing. Allele origin: germline. Affected: yes.
Comment: PM2, PP3

NM_001127222.2(CACNA1A):c.3882+5G>C

Gene: CACNA1A (calcium voltage-gated channel subunit alpha1 A; minus strand). Cytogenetic location: 19p13.13.
Variant type: single nucleotide variant.
Coding change: c.3882+5G>C on transcript NM_001127222.2 (MANE Select); 5 bases into the intron after coding-DNA position 3882, G replaced by C.
Molecular consequence: intron variant.
Genome position (GRCh38, 1-based): chr19:13,277,064, C>G on the plus strand (G>C on the coding strand, the complement: CACNA1A is on the minus strand). VCF-style: chr19-13277064-C-G. GRCh37 (hg19) VCF-style: chr19-13387878-C-G.
Other names: c.3885+5G>C (NM_001127221.2, NM_001174080.2); c.3894+5G>C (NM_000068.4, NM_023035.3).
Identifiers: ClinVar variation 3765606 (VCV003765606.1).